The following is an entry in ClinVar:

ClinVar aggregate classification (germline): Pathogenic (1 of 4 stars; one submission).

Conditions:
Familial hemophagocytic lymphohistiocytosis 2 (FHL2). Also called: PRF1-Related Familial Hemophagocytic Lymphohistiocytosis (PRF1-fHLH). Identifiers: Orphanet 540, MedGen C1863727, MONDO:0011337, OMIM 603553.

Allele frequency attached by ClinVar (database versions not stated): ExAC 0.00001; gnomAD 0.00001.
gnomAD v4.1: 2 of 1,612,674 alleles (0.00012%); highest among the groups gnomAD compares: Non-Finnish European, 0.00017%; no homozygotes.

Submission:

Labcorp Genetics (formerly Invitae), Labcorp
Classification: Pathogenic for Familial hemophagocytic lymphohistiocytosis 2. Last evaluated: 2026-01-25. Review status: criteria provided, single submitter. Criteria: Invitae Variant Classification Sherloc (09022015). Collection method: clinical testing. Allele origin: germline.
Comment: This sequence change creates a premature translational stop signal (p.Gln386*) in the PRF1 gene. While this is not anticipated to result in nonsense mediated decay, it is expected to disrupt the last 170 amino acid(s) of the PRF1 protein. This variant is present in population databases (rs765232909, gnomAD 0.002%). This variant has not been reported in the literature in individuals affected with PRF1-related conditions. ClinVar contains an entry for this variant (Variation ID: 2782938). This variant disrupts a region of the PRF1 protein in which other variant(s) (p.Asp491Asn) have been determined to be pathogenic (PMID: 17477373, 25577959, 33746956). This suggests that this is a clinically significant region of the protein, and that variants that disrupt it are likely to be disease-causing. For these reasons, this variant has been classified as Pathogenic.

Literature cited by the submitters: PubMed 17477373; PubMed 25577959; PubMed 33746956.

NM_001083116.3(PRF1):c.1156C>T (p.Gln386Ter)

Gene: PRF1 (perforin 1; minus strand). Cytogenetic location: 10q22.1.
Variant type: single nucleotide variant.
Coding change: c.1156C>T on transcript NM_001083116.3 (MANE Select); coding-DNA position 1156, C replaced by T.
Protein change: p.Gln386Ter; replaces glutamine 386 with a stop codon.
Molecular consequence: nonsense.
Genome position (GRCh38, 1-based): chr10:70,598,565, G>A on the plus strand (C>T on the coding strand, the complement: PRF1 is on the minus strand). VCF-style: chr10-70598565-G-A. GRCh37 (hg19) VCF-style: chr10-72358321-G-A.
Other names: c.1156C>T, p.Gln386Ter (NM_005041.6); short protein forms Q386*.
Identifiers: ClinVar variation 2782938 (VCV002782938.3), dbSNP rs765232909, ClinGen allele CA5538809.
Genomic context (GRCh38, chr10:70,598,565, plus strand): 5'-CCTGGGTGGTGACCGCTGAGCCATGGCACACACACTGGCATGGGTCTCGGGGGCTCTTCT[G>A]CCGCCCTGGTGGGCACGGCCGGCTGCAGTCCCTCCAGCGAGCCCTGTCCGTCAGGTACTG-3'